The following is an entry in ClinVar:

NM_001365088.1(SLC12A6):c.722T>G (p.Ile241Ser)

Gene: SLC12A6 (solute carrier family 12 member 6; minus strand). Cytogenetic location: 15q14.
Variant type: single nucleotide variant.
Coding change: c.722T>G on transcript NM_001365088.1 (MANE Select); coding-DNA position 722, T replaced by G.
Protein change: p.Ile241Ser; replaces isoleucine 241 with serine.
Molecular consequence: missense variant.
Genome position (GRCh38, 1-based): chr15:34,256,252, A>C on the plus strand (T>G on the coding strand, the complement: SLC12A6 is on the minus strand). VCF-style: chr15-34256252-A-C. GRCh37 (hg19) VCF-style: chr15-34548453-A-C.
Other names: c.545T>G, p.Ile182Ser (NM_001042494.2, NM_001042495.2); c.695T>G, p.Ile232Ser (NM_001042496.2); c.677T>G, p.Ile226Ser (NM_001042497.2); c.569T>G, p.Ile190Ser (NM_005135.2); c.722T>G, p.Ile241Ser (NM_133647.2); short protein forms I232S, I241S, I226S, I182S, I190S.
Identifiers: ClinVar variation 2742151 (VCV002742151.3), dbSNP rs1257558783, ClinGen allele CA391611337.
Genomic context (GRCh38, chr15:34,256,252, plus strand): 5'-ACTGATAAATCCTGAAATACAACCTTGACCTACTAACCTGGCACCACTCCATTAGTGGCA[A>C]TGGCACTCATGGAGATAGCAGTCAACATTGTCTGCAGAGAAAAGGAAAGGAGAGGATTGT-3'
Protein context (NP_001352017.1, residues 231-251): TMLTAISMSA[Ile241Ser]ATNGVVPAGG

ClinVar aggregate classification (germline): Uncertain significance (1 of 4 stars; one submission).

Allele frequency attached by ClinVar (database versions not stated): gnomAD exomes below 0.00001.
gnomAD v4.1: 1 of 1,606,976 alleles (0.000062%); highest among the groups gnomAD compares: Non-Finnish European, 0.000085%; no homozygotes.

Submission:

Labcorp Genetics (formerly Invitae), Labcorp
Classification: Uncertain significance. Last evaluated: 2023-07-12. Review status: criteria provided, single submitter. Criteria: Invitae Variant Classification Sherloc (09022015). Collection method: clinical testing. Allele origin: germline.
Comment: In summary, the available evidence is currently insufficient to determine the role of this variant in disease. Therefore, it has been classified as a Variant of Uncertain Significance. Advanced modeling of protein sequence and biophysical properties (such as structural, functional, and spatial information, amino acid conservation, physicochemical variation, residue mobility, and thermodynamic stability) performed at Invitae indicates that this missense variant is expected to disrupt SLC12A6 protein function. This variant has not been reported in the literature in individuals affected with SLC12A6-related conditions. This variant is present in population databases (no rsID available, gnomAD 0.0009%). This sequence change replaces isoleucine, which is neutral and non-polar, with serine, which is neutral and polar, at codon 241 of the SLC12A6 protein (p.Ile241Ser).